The following is an entry in ClinVar:

ClinVar aggregate classification (germline): Uncertain significance. Review status: criteria provided, multiple submitters, no conflicts (2 of 4 stars). 2 submissions from 2 submitters: Uncertain significance (2). Last evaluated 2025-01-30.

Conditions:
Autosomal dominant spastic paraplegia type 9. Identifiers: MedGen C1832669, MONDO:0015091.
de Barsy syndrome. Also called: Cutis laxa-corneal clouding-oligophrenia syndrome. Identifiers: Orphanet 2962, MedGen C0268354, MONDO:0017569.
Cutis laxa, autosomal dominant 3 (ADCL3). Identifiers: Orphanet 90348, MedGen C4225268, MONDO:0014706, OMIM 616603.
Inborn genetic diseases. Identifiers: MedGen C0950123, MeSH D030342.

Allele frequency attached by ClinVar (database versions not stated): gnomAD 0.00001; TOPMed 0.00001; ExAC 0.00008.
gnomAD v4.1: 5 of 1,567,314 alleles (0.00032%); highest among the groups gnomAD compares: Non-Finnish European, 0.00043%; no homozygotes.

Submissions (2):

Labcorp Genetics (formerly Invitae), Labcorp
Classification: Uncertain significance for Autosomal dominant spastic paraplegia type 9; de Barsy syndrome; Cutis laxa, autosomal dominant 3. Last evaluated: 2025-01-30. Review status: criteria provided, single submitter. Criteria: Invitae Variant Classification Sherloc (09022015). Collection method: clinical testing. Allele origin: germline.
Comment: This sequence change replaces alanine, which is neutral and non-polar, with threonine, which is neutral and polar, at codon 532 of the ALDH18A1 protein (p.Ala532Thr). This variant is present in population databases (rs750704586, gnomAD 0.003%). This variant has not been reported in the literature in individuals affected with ALDH18A1-related conditions. ClinVar contains an entry for this variant (Variation ID: 3108765). Invitae Evidence Modeling of protein sequence and biophysical properties (such as structural, functional, and spatial information, amino acid conservation, physicochemical variation, residue mobility, and thermodynamic stability) indicates that this missense variant is not expected to disrupt ALDH18A1 protein function with a negative predictive value of 80%. In summary, the available evidence is currently insufficient to determine the role of this variant in disease. Therefore, it has been classified as a Variant of Uncertain Significance.

Ambry Genetics
Classification: Uncertain significance for Inborn genetic diseases. Last evaluated: 2023-11-02. Review status: criteria provided, single submitter. Criteria: Ambry Variant Classification Scheme 2023. Collection method: clinical testing. Allele origin: germline.

NM_002860.4(ALDH18A1):c.1594G>A (p.Ala532Thr)

Gene: ALDH18A1 (aldehyde dehydrogenase 18 family member A1; minus strand). Cytogenetic location: 10q24.1.
Variant type: single nucleotide variant.
Coding change: c.1594G>A on transcript NM_002860.4 (MANE Select); coding-DNA position 1594, G replaced by A.
Protein change: p.Ala532Thr; replaces alanine 532 with threonine.
Molecular consequence: missense variant.
Genome position (GRCh38, 1-based): chr10:95,616,488, C>T on the plus strand (G>A on the coding strand, the complement: ALDH18A1 is on the minus strand). VCF-style: chr10-95616488-C-T. GRCh37 (hg19) VCF-style: chr10-97376245-C-T.
Other names: c.1588G>A, p.Ala530Thr (NM_001017423.2, NM_001323415.2); c.1261G>A, p.Ala421Thr (NM_001323412.2, NM_001323416.2); c.1594G>A, p.Ala532Thr (NM_001323413.2, NM_001323414.2); c.1489G>A, p.Ala497Thr (NM_001323417.2); c.1255G>A, p.Ala419Thr (NM_001323418.2); c.958G>A, p.Ala320Thr (NM_001323419.2); short protein forms A320T, A419T, A530T, A421T, A497T, A532T.
Identifiers: ClinVar variation 3108765 (VCV003108765.3), dbSNP rs750704586, ClinGen allele CA5620280.